The following is an entry in ClinVar:

NM_024426.6(WT1):c.719A>G (p.His240Arg)

Gene: WT1 (WT1 transcription factor; minus strand). Cytogenetic location: 11p13.
Variant type: single nucleotide variant.
Coding change: c.719A>G on transcript NM_024426.6 (MANE Select); coding-DNA position 719, A replaced by G.
Protein change: p.His240Arg; replaces histidine 240 with arginine.
Molecular consequence: missense variant. On other transcripts: non-coding transcript variant (1).
Genome position (GRCh38, 1-based): chr11:32,428,562, T>C on the plus strand (A>G on the coding strand, the complement: WT1 is on the minus strand). VCF-style: chr11-32428562-T-C. GRCh37 (hg19) VCF-style: chr11-32450108-T-C.
Other names: c.719A>G, p.His240Arg (NM_000378.6, NM_001407044.1, NM_001407045.1 and 4 more transcripts); c.68A>G, p.His23Arg (NM_001198551.2, NM_001198552.2); c.-44A>G (NM_001407051.1); c.704A>G, p.His235Arg (NM_024425.2); short protein forms H240R, H23R, H235R.
Identifiers: ClinVar variation 854012 (VCV000854012.9), dbSNP rs886932571, ClinGen allele CA219503559.

ClinVar aggregate classification (germline): Uncertain significance. Review status: criteria provided, multiple submitters, no conflicts (2 of 4 stars). 2 submissions from 2 submitters: Uncertain significance (2). Last evaluated 2025-07-31.

Conditions:
Wilms tumor 1 (WT1). Also called: Wilms tumor, somatic. Identifiers: Orphanet 654, MedGen CN033288, MONDO:0008679, OMIM 194070.
11p partial monosomy syndrome (WAGR). Also called: CHROMOSOME 11p13 DELETION SYNDROME; WAGR Complex; WAGR Spectrum Disorder; WAGR syndrome. Identifiers: Orphanet 893, MedGen C0206115, MONDO:0008681, OMIM 194072.
Frasier syndrome. Identifiers: Orphanet 347, MedGen C0950122, MeSH D052159, MONDO:0007635, OMIM 136680.
Drash syndrome (DDS). Also called: NEPHROPATHY, WILMS TUMOR, AND GENITAL ANOMALIES; WILMS TUMOR AND PSEUDO- OR TRUE HERMAPHRODITISM. Identifiers: Orphanet 220, MedGen C0950121, MONDO:0008682, OMIM 194080.
Inborn genetic diseases. Identifiers: MedGen C0950123, MeSH D030342.

Allele frequency attached by ClinVar (database versions not stated): gnomAD exomes below 0.00001; TOPMed 0.00001.
gnomAD v4.1: 7 of 1,614,056 alleles (0.00043%); highest among the groups gnomAD compares: Non-Finnish European, 0.00059%; no homozygotes.

Submissions (2):

Labcorp Genetics (formerly Invitae), Labcorp
Classification: Uncertain significance for Wilms tumor 1; Drash syndrome; 11p partial monosomy syndrome; Frasier syndrome. Last evaluated: 2025-07-31. Review status: criteria provided, single submitter. Criteria: Invitae Variant Classification Sherloc (09022015). Collection method: clinical testing. Allele origin: germline.
Comment: This sequence change replaces histidine, which is basic and polar, with arginine, which is basic and polar, at codon 235 of the WT1 protein (p.His235Arg). This variant is not present in population databases (gnomAD no frequency). This variant has not been reported in the literature in individuals affected with WT1-related conditions. ClinVar contains an entry for this variant (Variation ID: 854012). Invitae Evidence Modeling of protein sequence and biophysical properties (such as structural, functional, and spatial information, amino acid conservation, physicochemical variation, residue mobility, and thermodynamic stability) indicates that this missense variant is not expected to disrupt WT1 protein function with a negative predictive value of 95%. In summary, the available evidence is currently insufficient to determine the role of this variant in disease. Therefore, it has been classified as a Variant of Uncertain Significance.

Ambry Genetics
Classification: Uncertain significance for Inborn genetic diseases. Last evaluated: 2024-12-16. Review status: criteria provided, single submitter. Criteria: Ambry Variant Classification Scheme 2023. Collection method: clinical testing. Allele origin: germline.
Comment: The p.H235R variant (also known as c.704A>G), located in coding exon 2 of the WT1 gene, results from an A to G substitution at nucleotide position 704. The histidine at codon 235 is replaced by arginine, an amino acid with highly similar properties. This amino acid position is conserved. In addition, the in silico prediction for this alteration is inconclusive. Based on the available evidence, the clinical significance of this variant remains unclear.